The following is an entry in ClinVar:

NM_004168.4(SDHA):c.621+4A>G

Gene: SDHA (succinate dehydrogenase complex flavoprotein subunit A; plus strand). Cytogenetic location: 5p15.33.
Variant type: single nucleotide variant.
Coding change: c.621+4A>G on transcript NM_004168.4 (MANE Select); 4 bases into the intron after coding-DNA position 621, A replaced by G.
Molecular consequence: intron variant.
Genome position (GRCh38, 1-based): chr5:226,051, A>G. VCF-style: chr5-226051-A-G. GRCh37 (hg19) VCF-style: chr5-226166-A-G.
Other names: c.621+4A>G (NM_001330758.2); c.477+4A>G (NM_001294332.2).
Identifiers: ClinVar variation 1752217 (VCV001752217.2), dbSNP rs2126550710, ClinGen allele CA2580073063.

ClinVar aggregate classification (germline): Uncertain significance (1 of 4 stars; one submission).

Conditions:
Hereditary cancer-predisposing syndrome. Also called: Hereditary Cancer Syndrome; Hereditary neoplastic syndrome; Neoplastic Syndromes, Hereditary; Tumor predisposition. Identifiers: Orphanet 140162, MedGen C0027672, MeSH D009386, MONDO:0015356.

Submission:

Ambry Genetics
Classification: Uncertain significance for Hereditary cancer-predisposing syndrome. Last evaluated: 2022-05-06. Review status: criteria provided, single submitter. Criteria: Ambry Variant Classification Scheme 2023. Collection method: clinical testing. Allele origin: germline.
Comment: The c.621+4A>G intronic variant results from an A to G substitution 4 nucleotides after coding exon 5 in the SDHA gene. This nucleotide position is highly conserved in available vertebrate species. In silico splice site analysis predicts that this alteration will not have any significant effect on splicing. Since supporting evidence is limited at this time, the clinical significance of this alteration remains unclear.